The following is an entry in ClinVar:

NM_032043.3(BRIP1):c.1429T>A (p.Leu477Ile)

Gene: BRIP1 (BRCA1 interacting DNA helicase 1; minus strand). Cytogenetic location: 17q23.2.
Variant type: single nucleotide variant.
Coding change: c.1429T>A on transcript NM_032043.3 (MANE Select); coding-DNA position 1429, T replaced by A.
Protein change: p.Leu477Ile; replaces leucine 477 with isoleucine.
Molecular consequence: missense variant.
Genome position (GRCh38, 1-based): chr17:61,793,641, A>T on the plus strand (T>A on the coding strand, the complement: BRIP1 is on the minus strand). VCF-style: chr17-61793641-A-T. GRCh37 (hg19) VCF-style: chr17-59871002-A-T.
Other names: short protein forms L477I.
Identifiers: ClinVar variation 924027 (VCV000924027.4), dbSNP rs1389470069, ClinGen allele CA400482124.
Genomic context (GRCh38, chr17:61,793,641, plus strand): 5'-AGAAAAAATATCTTACCTGCAAAATGGGAAAAGTAGCAGTGGTGATACCCATTTTGTGTA[A>T]AGTTAAGAGCATTTCATTTCCACTCCATATTTTACAAGCTGATTCATAATCTCTTTCTAC-3'
Protein context (NP_114432.2, residues 467-487): IWSGNEMLLT[Leu477Ile]HKMGITTATF

ClinVar aggregate classification (germline): Uncertain significance (1 of 4 stars; one submission).

Conditions:
Hereditary cancer-predisposing syndrome. Also called: Neoplastic Syndromes, Hereditary; Tumor predisposition; Hereditary Cancer Syndrome; Hereditary neoplastic syndrome. Identifiers: Orphanet 140162, MedGen C0027672, MeSH D009386, MONDO:0015356.

Submission:

Color Diagnostics, LLC DBA Color Health
Classification: Uncertain significance for Hereditary cancer-predisposing syndrome. Last evaluated: 2023-12-05. Review status: criteria provided, single submitter. Criteria: ACMG Guidelines, 2015. Collection method: clinical testing. Allele origin: germline.
Comment: This missense variant replaces leucine with isoleucine at codon 477 of the BRIP1 protein. Computational prediction suggests that this variant may not impact protein structure and function (internally defined REVEL score threshold <= 0.5, PMID: 27666373). To our knowledge, functional studies have not been reported for this variant. This variant has not been reported in individuals affected with BRIP1-related disorders in the literature. This variant has not been identified in the general population by the Genome Aggregation Database (gnomAD). The available evidence is insufficient to determine the role of this variant in disease conclusively. Therefore, this variant is classified as a Variant of Uncertain Significance.